The following is an entry in ClinVar:

ClinVar aggregate classification (germline): Benign (1 of 4 stars; one submission).

Conditions:
Tuberous sclerosis 2 (TSC2). Identifiers: Orphanet 805, MedGen C1860707, MONDO:0013199, OMIM 613254.

gnomAD v4.1: 1 of 1,614,012 alleles (0.000062%); highest among the groups gnomAD compares: Non-Finnish European, 0.000085%; no homozygotes.

Submission:

Myriad Genetics, Inc.
Classification: Benign for Tuberous sclerosis 2. Last evaluated: 2025-05-08. Review status: criteria provided, single submitter. Criteria: Myriad Autosomal Dominant, Autosomal Recessive and X-Linked Classification Criteria (2023). Collection method: clinical testing. Allele origin: unknown.
Comment: This variant is considered benign. This variant is a silent/synonymous amino acid change and it is not expected to impact splicing.

NM_000548.5(TSC2):c.606C>A (p.Ile202=)

Gene: TSC2 (TSC complex subunit 2; plus strand). Cytogenetic location: 16p13.3.
Variant type: single nucleotide variant.
Coding change: c.606C>A on transcript NM_000548.5 (MANE Select); coding-DNA position 606, C replaced by A.
Protein change: p.Ile202=; no amino-acid change (isoleucine 202 retained).
Molecular consequence: synonymous variant. On other transcripts: 5 prime UTR variant (10), non-coding transcript variant (5).
Genome position (GRCh38, 1-based): chr16:2,056,202, C>A. VCF-style: chr16-2056202-C-A. GRCh37 (hg19) VCF-style: chr16-2106203-C-A.
Other names: c.606C>A, p.Ile202= (NM_001077183.3, NM_001114382.3, NM_001363528.2 and 8 more transcripts); c.495C>A, p.Ile165= (NM_001318827.2, NM_001406670.1, NM_001406678.1); c.459C>A, p.Ile153= (NM_001318829.2, NM_001406675.1, NM_001406676.1 and 1 more transcripts); c.6C>A, p.Ile2= (NM_001318831.2, NM_001406680.1, NM_001406682.1 and 6 more transcripts); c.639C>A, p.Ile213= (NM_001318832.2); c.696C>A, p.Ile232= (NM_001406667.1, NM_001406668.1); c.549C>A, p.Ile183= (NM_001406677.1); c.144C>A, p.Ile48= (NM_001406681.1); and 4 more.
Identifiers: ClinVar variation 4071282 (VCV004071282.1).